The following is an entry in ClinVar:

ClinVar aggregate classification (germline): Uncertain significance (1 of 4 stars; one submission).

Submission:

Ambry Genetics
Classification: Uncertain significance. Last evaluated: 2025-11-27. Review status: criteria provided, single submitter. Criteria: Ambry Variant Classification Scheme 2023. Collection method: clinical testing. Allele origin: germline.
Comment: The p.H304N variant (also known as c.910C>A), located in coding exon 7 of the RNF43 gene, results from a C to A substitution at nucleotide position 910. The histidine at codon 304 is replaced by asparagine, an amino acid with similar properties. This amino acid position is conserved. In addition, this alteration is predicted to be tolerated by in silico analysis. Based on the available evidence, the clinical significance of this variant remains unclear.

NM_017763.6(RNF43):c.910C>A (p.His304Asn)

Gene: RNF43 (ring finger protein 43; minus strand). Cytogenetic location: 17q22.
Variant type: single nucleotide variant.
Coding change: c.910C>A on transcript NM_017763.6 (MANE Select); coding-DNA position 910, C replaced by A.
Protein change: p.His304Asn; replaces histidine 304 with asparagine.
Molecular consequence: missense variant.
Genome position (GRCh38, 1-based): chr17:58,360,191, G>T on the plus strand (C>A on the coding strand, the complement: RNF43 is on the minus strand). VCF-style: chr17-58360191-G-T. GRCh37 (hg19) VCF-style: chr17-56437552-G-T.
Other names: c.910C>A, p.His304Asn (NM_001305544.3, NM_001438820.1, NM_001438821.1 and 1 more transcripts); c.529C>A, p.His177Asn (NM_001305545.2, NM_001437987.1); short protein forms H177N, H304N.
Identifiers: ClinVar variation 4579009 (VCV004579009.1).
Genomic context (GRCh38, chr17:58,360,191, plus strand): 5'-CCTTGGCCCACCTCCTACCTGTGATGTTGAACATGCAGAGGGGGCAAGTCCGATGCTGAT[G>T]TAACCAGGGGTCCACACAGTTACGATGGAACTCATGGAGGCAGGAAATGACCCGTAGCTC-3'
Protein context (NP_060233.3, residues 294-314): FHRNCVDPWL[His304Asn]QHRTCPLCMF